The following is an entry in ClinVar:

NM_001036.6(RYR3):c.3719G>A (p.Arg1240His)

Gene: RYR3 (ryanodine receptor 3; plus strand). Cytogenetic location: 15q14.
Variant type: single nucleotide variant.
Coding change: c.3719G>A on transcript NM_001036.6 (MANE Select); coding-DNA position 3719, G replaced by A.
Protein change: p.Arg1240His; replaces arginine 1240 with histidine.
Molecular consequence: missense variant.
Genome position (GRCh38, 1-based): chr15:33,644,473, G>A. VCF-style: chr15-33644473-G-A. GRCh37 (hg19) VCF-style: chr15-33936674-G-A.
Other names: c.3719G>A (NM_001036.3); c.3719G>A, p.Arg1240His (NM_001243996.4); short protein forms R1240H.
Identifiers: ClinVar variation 940119 (VCV000940119.8), dbSNP rs377529797, ClinGen allele CA268585786.
Genomic context (GRCh38, chr15:33,644,473, plus strand): 5'-AGGGCTTTGAGCCTTTTGCTGTCAACATGAACAGAGATGTTGCTATGTGGTTCAGCAAGC[G>A]CCTCCCGACGTTTGTCAACGTGCCAAAGGATCATCCACACATAGAGGTAATGTTACACAA-3'
Protein context (NP_001027.3, residues 1230-1250): NRDVAMWFSK[Arg1240His]LPTFVNVPKD

ClinVar aggregate classification (germline): Uncertain significance. Review status: criteria provided, multiple submitters, no conflicts (2 of 4 stars). 2 submissions from 2 submitters: Uncertain significance (2). Last evaluated 2025-12-08.

Conditions:
Epileptic encephalopathy. Identifiers: MedGen C0543888, HP:0200134.

Allele frequency attached by ClinVar (database versions not stated): ESP Exome Variant Server 0.00008; gnomAD exomes below 0.00001 and 0.00001.
gnomAD v4.1: 17 of 1,613,900 alleles (0.0011%); highest among the groups gnomAD compares: Non-Finnish European, 0.0011%; no homozygotes.

Submissions (2):

Ambry Genetics
Classification: Uncertain significance. Last evaluated: 2025-12-08. Review status: criteria provided, single submitter. Criteria: Ambry Variant Classification Scheme 2023. Collection method: clinical testing. Allele origin: germline.

Labcorp Genetics (formerly Invitae), Labcorp
Classification: Uncertain significance for Epileptic encephalopathy. Last evaluated: 2021-08-27. Review status: criteria provided, single submitter. Criteria: Invitae Variant Classification Sherloc (09022015). Collection method: clinical testing. Allele origin: germline.
Comment: This sequence change replaces arginine with histidine at codon 1240 of the RYR3 protein (p.Arg1240His). The arginine residue is highly conserved and there is a small physicochemical difference between arginine and histidine. This variant is not present in population databases (ExAC no frequency). This variant has not been reported in the literature in individuals affected with RYR3-related conditions. Algorithms developed to predict the effect of missense changes on protein structure and function (SIFT, PolyPhen-2, Align-GVGD) all suggest that this variant is likely to be disruptive. In summary, the available evidence is currently insufficient to determine the role of this variant in disease. Therefore, it has been classified as a Variant of Uncertain Significance.